The following is an entry in ClinVar:

ClinVar aggregate classification (germline): Uncertain significance (1 of 4 stars; one submission).

Conditions:
Familial cold autoinflammatory syndrome 1 (FCAS1). Also called: CRYOPYRIN-ASSOCIATED PERIODIC SYNDROME 1; Familial cold inflammatory syndrome 1. Identifiers: Orphanet 47045, MedGen C4551895, MONDO:0007349, OMIM 120100.

Submission:

Laboratorio de Genetica e Diagnostico Molecular, Hospital Israelita Albert Einstein
Classification: Uncertain significance for Familial cold autoinflammatory syndrome 1. Last evaluated: 2023-01-12. Review status: criteria provided, single submitter. Criteria: ACMG Guidelines, 2015. Collection method: clinical testing. Allele origin: germline. Affected: yes. Observed: 1 variant allele.
Comment: ACMG classification criteria: PM2 moderated

NM_001243133.2(NLRP3):c.1493C>G (p.Ser498Cys)

Gene: NLRP3 (NLR family pyrin domain containing 3; plus strand). Cytogenetic location: 1q44.
Variant type: single nucleotide variant.
Coding change: c.1493C>G on transcript NM_001243133.2 (MANE Select); coding-DNA position 1493, C replaced by G.
Protein change: p.Ser498Cys; replaces serine 498 with cysteine.
Molecular consequence: missense variant.
Genome position (GRCh38, 1-based): chr1:247,424,942, C>G. VCF-style: chr1-247424942-C-G. GRCh37 (hg19) VCF-style: chr1-247588244-C-G.
Other names: c.1493C>G, p.Ser498Cys (NM_001079821.3, NM_001127461.3, NM_001127462.3 and 1 more transcripts); c.1499C>G, p.Ser500Cys (NM_004895.5); short protein forms S498C, S500C.
Identifiers: ClinVar variation 2431878 (VCV002431878.1), dbSNP rs1662756098, ClinGen allele CA345557010.